The following is an entry in ClinVar:

NM_000719.7(CACNA1C):c.4004G>C (p.Arg1335Pro)

Gene: CACNA1C (calcium voltage-gated channel subunit alpha1 C; plus strand). Cytogenetic location: 12p13.33.
Variant type: single nucleotide variant.
Coding change: c.4004G>C on transcript NM_000719.7 (MANE Select); coding-DNA position 4004, G replaced by C.
Protein change: p.Arg1335Pro; replaces arginine 1335 with proline.
Molecular consequence: missense variant.
Genome position (GRCh38, 1-based): chr12:2,651,698, G>C. VCF-style: chr12-2651698-G-C. GRCh37 (hg19) VCF-style: chr12-2760864-G-C.
Other names: c.4148G>C, p.Arg1383Pro (NM_001129827.2, NM_199460.4); c.4070G>C, p.Arg1357Pro (NM_001129829.2); c.4004G>C, p.Arg1335Pro (NM_001129830.3, NM_001129833.2, NM_001129834.2 and 7 more transcripts); c.4088G>C, p.Arg1363Pro (NM_001129831.2); c.4064G>C, p.Arg1355Pro (NM_001129832.2); c.4055G>C, p.Arg1352Pro (NM_001129836.2); c.3971G>C, p.Arg1324Pro (NM_001129837.2, NM_001129838.2, NM_001129846.2 and 1 more transcripts); c.3965G>C, p.Arg1322Pro (NM_001129839.2); and 1 more; short protein forms R1322P, R1324P, R1332P, R1335P, R1352P, R1355P, R1357P, R1363P.
Identifiers: ClinVar variation 2626956 (VCV002626956.2), dbSNP rs2153655247, ClinGen allele CA383373608.

ClinVar aggregate classification (germline): Uncertain significance. Review status: criteria provided, multiple submitters, no conflicts (2 of 4 stars). 2 submissions from 2 submitters: Uncertain significance (2). Last evaluated 2025-09-08.

Conditions:
Long QT syndrome (LQTS). Identifiers: MedGen C0023976, MeSH D008133, MONDO:0002442. Disease mechanism: loss of function. Inheritance: Various modes of inheritance.

Submissions (2):

Labcorp Genetics (formerly Invitae), Labcorp
Classification: Uncertain significance for Long QT syndrome. Last evaluated: 2025-09-08. Review status: criteria provided, single submitter. Criteria: Invitae Variant Classification Sherloc (09022015). Collection method: clinical testing. Allele origin: germline.
Comment: This sequence change replaces arginine, which is basic and polar, with proline, which is neutral and non-polar, at codon 1335 of the CACNA1C protein (p.Arg1335Pro). This variant is not present in population databases (gnomAD no frequency). This variant has not been reported in the literature in individuals affected with CACNA1C-related conditions. ClinVar contains an entry for this variant (Variation ID: 2626956). Invitae Evidence Modeling of protein sequence and biophysical properties (such as structural, functional, and spatial information, amino acid conservation, physicochemical variation, residue mobility, and thermodynamic stability) indicates that this missense variant is expected to disrupt CACNA1C protein function with a positive predictive value of 95%. In summary, the available evidence is currently insufficient to determine the role of this variant in disease. Therefore, it has been classified as a Variant of Uncertain Significance.

Greenwood Genetic Center Diagnostic Laboratories, Greenwood Genetic Center
Classification: Uncertain significance. Last evaluated: 2023-09-20. Review status: criteria provided, single submitter. Criteria: ACMG Guidelines, 2015. Collection method: clinical testing. Allele origin: germline. Affected: yes.
Comment: PM2, PP2, PP3